The following is an entry in ClinVar:

NM_206933.4(USH2A):c.1139A>G (p.Tyr380Cys)

Gene: USH2A (usherin; minus strand). Cytogenetic location: 1q41.
Variant type: single nucleotide variant.
Coding change: c.1139A>G on transcript NM_206933.4 (MANE Select); coding-DNA position 1139, A replaced by G.
Protein change: p.Tyr380Cys; replaces tyrosine 380 with cysteine.
Molecular consequence: missense variant.
Genome position (GRCh38, 1-based): chr1:216,325,309, T>C on the plus strand (A>G on the coding strand, the complement: USH2A is on the minus strand). VCF-style: chr1-216325309-T-C. GRCh37 (hg19) VCF-style: chr1-216498651-T-C.
Other names: c.1139A>G, p.Tyr380Cys (NM_007123.6); short protein forms Y380C.
Identifiers: ClinVar variation 48373 (VCV000048373.13), dbSNP rs111033395, ClinGen allele CA143255.

ClinVar aggregate classification (germline): Conflicting classifications of pathogenicity. Review status: criteria provided, conflicting classifications (1 of 4 stars). 4 submissions from 4 submitters: Pathogenic (1); Uncertain significance (2). 1 of the submissions does not count toward it. Last evaluated 2025-10-23.

Conditions:
Usher syndrome type 2. Also called: Usher Syndrome Type II. Identifiers: Orphanet 231178, MedGen C0339534, MONDO:0016484.
Usher syndrome type 2A. Also called: USHER SYNDROME, TYPE IIA; RETINAL DISEASE IN USHER SYNDROME TYPE IIA, MODIFIER OF. Identifiers: Orphanet 231178, Orphanet 886, MedGen C1848634, MONDO:0010169, OMIM 276901.

Allele frequency attached by ClinVar (database versions not stated): gnomAD 0.00001; gnomAD exomes below 0.00001; TOPMed below 0.00001.
gnomAD v4.1: 2 of 1,613,588 alleles (0.00012%); highest among the groups gnomAD compares: Admixed American, 0.0017%; no homozygotes.

Submissions (4):

3billion
Classification: Uncertain significance for Usher syndrome type 2A. Last evaluated: 2025-10-23. Review status: criteria provided, single submitter. Criteria: ACMG Guidelines, 2015. Collection method: clinical testing. Allele origin: germline. Affected: yes.
Comment: The variant is observed at an extremely low frequency in the gnomAD v4.1.0 dataset (total allele frequency: <0.001%). Predicted Consequence/Location: Missense variant In silico tool predictions suggest damaging effect of the variant on gene or gene product [REVEL: 0.89 (>=0.6, sensitivity 0.68 and specificity 0.92)]. The same nucleotide change resulting in the same amino acid change has been previously reported to be associated with USH2A-related disorder (ClinVar ID: VCV000048373). However, the evidence of pathogenicity is insufficient at this time. Therefore, this variant is classified as VUS according to the recommendation of ACMG/AMP guideline.

Labcorp Genetics (formerly Invitae), Labcorp
Classification: Pathogenic. Last evaluated: 2025-04-03. Review status: criteria provided, single submitter. Criteria: Invitae Variant Classification Sherloc (09022015). Collection method: clinical testing. Allele origin: germline.
Comment: This sequence change replaces tyrosine, which is neutral and polar, with cysteine, which is neutral and slightly polar, at codon 380 of the USH2A protein (p.Tyr380Cys). This variant is present in population databases (rs111033395, gnomAD 0.003%). This missense change has been observed in individual(s) with clinical features of USH2A-related conditions (PMID: 35266249, 37287646; internal data). In at least one individual the data is consistent with being in trans (on the opposite chromosome) from a pathogenic variant. ClinVar contains an entry for this variant (Variation ID: 48373). Invitae Evidence Modeling of protein sequence and biophysical properties (such as structural, functional, and spatial information, amino acid conservation, physicochemical variation, residue mobility, and thermodynamic stability) indicates that this missense variant is expected to disrupt USH2A protein function with a positive predictive value of 95%. For these reasons, this variant has been classified as Pathogenic.

Laboratory for Molecular Medicine, Mass General Brigham Personalized Medicine
Classification: Uncertain significance. Last evaluated: 2008-06-11. Review status: criteria provided, single submitter. Criteria: LMM Criteria. Collection method: clinical testing. Allele origin: germline. Observed: 1 variant allele.

Ophthalmo-Genetics Lab, Instituto de Oftalmologia Conde de Valenciana
Classification: Pathogenic for Usher syndrome type 2. Last evaluated: 2022-11-14. Review status: no assertion criteria provided. Collection method: clinical testing. Allele origin: germline. Inheritance: Autosomal recessive inheritance. Affected: yes. Observed: 1 compound heterozygote. Not counted in ClinVar's aggregate classification.
Comment: Novel pathogenic variant. PP4 (manual), PM3 (manual), PM2 , PP3, PP5.

Literature cited by the submitters: PubMed 35266249 (cited by Labcorp Genetics (formerly Invitae), Labcorp); PubMed 37287646 (cited by Labcorp Genetics (formerly Invitae), Labcorp); PubMed 35076463 (cited by Ophthalmo-Genetics Lab, Instituto de Oftalmologia Conde de Valenciana).